The following is an entry in ClinVar:

NM_001114753.3(ENG):c.567C>G (p.Asp189Glu)

Gene: ENG (endoglin; minus strand). Cytogenetic location: 9q34.11.
Variant type: single nucleotide variant.
Coding change: c.567C>G on transcript NM_001114753.3 (MANE Select); coding-DNA position 567, C replaced by G.
Protein change: p.Asp189Glu; replaces aspartic acid 189 with glutamic acid.
Molecular consequence: missense variant.
Genome position (GRCh38, 1-based): chr9:127,825,817, G>C on the plus strand (C>G on the coding strand, the complement: ENG is on the minus strand). VCF-style: chr9-127825817-G-C. GRCh37 (hg19) VCF-style: chr9-130588096-G-C.
Other names: c.567C>G, p.Asp189Glu (NM_000118.4, NM_001406715.1); c.21C>G, p.Asp7Glu (NM_001278138.2); short protein forms D189E, D7E.
Identifiers: ClinVar variation 5035981 (VCV005035981.1).
Genomic context (GRCh38, chr9:127,825,817, plus strand): 5'-CAAGTGGCAGCCCCGGACCAAGGCTGGAGTACGCGGCCGCCACTCGAGCGTGCGGCCCAT[G>C]TCCTGGCTGGCTTCCAGCATGCAGAAGGACAGTGACCCCTGGGCTGCAGAGACACGCGCA-3'
Protein context (NP_001108225.1, residues 179-199): LSFCMLEASQ[Asp189Glu]MGRTLEWRPR

ClinVar aggregate classification (germline): Uncertain significance (1 of 4 stars; one submission).

Conditions:
Cardiovascular phenotype. Identifiers: MedGen CN230736.

Submission:

Ambry Genetics
Classification: Uncertain significance for Cardiovascular phenotype. Last evaluated: 2026-08-20. Review status: criteria provided, single submitter. Criteria: Ambry Variant Classification Scheme 2023. Collection method: clinical testing. Allele origin: germline.
Comment: The p.D189E variant (also known as c.567C>G), located in coding exon 5 of the ENG gene, results from a C to G substitution at nucleotide position 567. The aspartic acid at codon 189 is replaced by glutamic acid, an amino acid with highly similar properties. This amino acid position is conserved. In addition, this alteration is predicted to be tolerated by in silico analysis. Based on the available evidence, the clinical significance of this variant remains unclear.